The following is an entry in ClinVar:

NM_178138.6(LHX3):c.277_316dup (p.Ala106fs)

Gene: LHX3 (LIM homeobox 3; minus strand). Cytogenetic location: 9q34.3.
Variant type: Duplication.
Coding change: c.277_316dup on transcript NM_178138.6 (MANE Select); coding-DNA positions 277 to 316, 40 bases duplicated.
Protein change: p.Ala106fs; shifts the reading frame from alanine 106.
Molecular consequence: frameshift variant.
Genome position (GRCh38, 1-based): chr9:136,199,816-136,199,855, 40 bases duplicated; duplicating any 40 consecutive bases within chr9:136,199,816-136,199,865 gives the same sequence; the c. name uses the placement nearest the transcript's 3' end. GRCh37 (hg19): chr9:139,091,672-139,091,711.
Other names: c.244_283dup, p.Ala95fs (NM_001363746.1); c.292_331dup, p.Ala111fs (NM_014564.5); short protein forms A111fs, A95fs, A106fs.
Identifiers: ClinVar variation 1982044 (VCV001982044.1), dbSNP rs2490915531, ClinGen allele CA2580080103.

ClinVar aggregate classification (germline): Uncertain significance (1 of 4 stars; one submission).

Submission:

Labcorp Genetics (formerly Invitae), Labcorp
Classification: Uncertain significance. Last evaluated: 2022-09-13. Review status: criteria provided, single submitter. Criteria: Invitae Variant Classification Sherloc (09022015). Collection method: clinical testing. Allele origin: germline.
Comment: This sequence change creates a premature translational stop signal (p.Ala111Valfs*162) in the LHX3 gene. While this is not anticipated to result in nonsense mediated decay, it is expected to disrupt the last 292 amino acid(s) of the LHX3 protein. This variant is not present in population databases (gnomAD no frequency). This variant has not been reported in the literature in individuals affected with LHX3-related conditions. Experimental studies and prediction algorithms are not available or were not evaluated, and the functional significance of this variant is currently unknown. Algorithms developed to predict the effect of sequence changes on RNA splicing suggest that this variant may disrupt the consensus splice site. In summary, the available evidence is currently insufficient to determine the role of this variant in disease. Therefore, it has been classified as a Variant of Uncertain Significance.